The following is an entry in ClinVar:

ClinVar aggregate classification (germline): Benign. Review status: criteria provided, multiple submitters, no conflicts (2 of 4 stars). 10 submissions from 10 submitters: Benign (9). 1 of the submissions does not count toward it. Last evaluated 2025-04-25.

Conditions:
Autosomal dominant polycystic kidney disease. Identifiers: Orphanet 730, MedGen C0085413, MONDO:0004691.
Polycystic kidney disease, adult type (PKD1). Also called: Polycystic Kidney, Autosomal Dominant; Polycystic Kidney Disease 1, Autosomal Dominant; Polycystic kidney disease 1; Polycystic kidney disease 1, severe; POLYCYSTIC KIDNEY DISEASE 1 WITH OR WITHOUT POLYCYSTIC LIVER DISEASE; POLYCYSTIC KIDNEY DISEASE, ADULT, TYPE I. Identifiers: MedGen C3149841, MONDO:0008263, OMIM 173900.

Allele frequency attached by ClinVar (database versions not stated): 1000 Genomes Project 0.00499; 1000 Genomes Project 30x 0.00625; ESP Exome Variant Server 0.02042; TOPMed 0.02106.
gnomAD v4.1: 45,984 of 1,543,072 alleles (3%); highest among the groups gnomAD compares: Non-Finnish European, 3.5%; 825 homozygotes.

Submissions (10):

Women's Health and Genetics/Laboratory Corporation of America, LabCorp
Classification: Benign. Last evaluated: 2025-04-25. Review status: criteria provided, single submitter. Criteria: LabCorp Variant Classification Summary - May 2015. Collection method: clinical testing. Allele origin: germline.

Blueprint Genetics
Classification: Benign. Last evaluated: 2024-11-27. Review status: criteria provided, single submitter. Criteria: ACMG Guidelines, 2015. Collection method: clinical testing. Allele origin: germline.

Mayo Clinic Laboratories, Mayo Clinic
Classification: Benign. Last evaluated: 2023-04-07. Review status: criteria provided, single submitter. Criteria: ACMG Guidelines, 2015. Collection method: clinical testing. Allele origin: germline. Observed: 14 variant alleles.
Comment: BA1, BP4, BP7

ARUP Laboratories, Molecular Genetics and Genomics, ARUP Laboratories
Classification: Benign for Polycystic kidney disease, adult type. Last evaluated: 2020-05-08. Review status: criteria provided, single submitter. Criteria: ARUP Molecular Germline Variant Investigation Process. Collection method: clinical testing. Allele origin: germline.

GeneDx
Classification: Benign. Last evaluated: 2019-12-03. Review status: criteria provided, single submitter. Criteria: GeneDx Variant Classification Process June 2021. Collection method: clinical testing. Allele origin: germline. Affected: yes.
Comment: This variant is associated with the following publications: (PMID: 10987650, 15772804)

Molecular Genetics of Inherited Kidney Disorders Laboratory, Garvan Institute of Medical Research
Classification: Benign for Autosomal dominant polycystic kidney disease. Last evaluated: 2019-01-01. Review status: criteria provided, single submitter. Criteria: ACMG Guidelines, 2015. Collection method: research. Allele origin: germline. Affected: yes.

Athena Diagnostics
Classification: Benign for Polycystic kidney disease, adult type. Last evaluated: 2017-05-30. Review status: criteria provided, single submitter. Criteria: Athena Diagnostics Criteria. Collection method: clinical testing. Allele origin: germline.

Breakthrough Genomics
Classification: Benign. Review status: criteria provided, single submitter. Criteria: ACMG Guidelines, 2015. Collection method: not provided. Allele origin: germline. Inheritance: Autosomal dominant inheritance. Affected: yes.

PreventionGenetics, part of Exact Sciences
Classification: Benign. Review status: criteria provided, single submitter. Criteria: ACMG Guidelines, 2015. Collection method: clinical testing. Allele origin: germline.

Department of Pathology and Laboratory Medicine, Sinai Health System
Classification: Benign. Review status: no assertion criteria provided. Collection method: clinical testing. Allele origin: unknown. Affected: yes. Study: The Canadian Open Genetics Repository (COGR). Not counted in ClinVar's aggregate classification.

Literature cited by the submitters: PubMed 10987650 (cited by Athena Diagnostics); PubMed 15772804 (cited by Athena Diagnostics).

NM_001009944.3(PKD1):c.11916C>T (p.Arg3972=)

Gene: PKD1 (polycystin 1, transient receptor potential channel interacting; minus strand). Cytogenetic location: 16p13.3.
Variant type: single nucleotide variant.
Coding change: c.11916C>T on transcript NM_001009944.3 (MANE Select); coding-DNA position 11916, C replaced by T.
Protein change: p.Arg3972=; no amino-acid change (arginine 3972 retained).
Molecular consequence: synonymous variant.
Genome position (GRCh38, 1-based): chr16:2,090,971, G>A on the plus strand (C>T on the coding strand, the complement: PKD1 is on the minus strand). VCF-style: chr16-2090971-G-A. GRCh37 (hg19) VCF-style: chr16-2140972-G-A.
Other names: p.Arg3972=; c.11913C>T, p.Arg3971= (NM_000296.4).
Identifiers: ClinVar variation 256909 (VCV000256909.20), dbSNP rs77634115, ClinGen allele CA7828943.